The following is an entry in ClinVar:

Single allele

Gene: DMD (dystrophin; minus strand). Cytogenetic location: Xp21.1.
Variant type: Deletion.
Identifiers: ClinVar variation 2684153 (VCV002684153.1).

ClinVar aggregate classification (germline): Pathogenic (1 of 4 stars; one submission).

Submission:

Athena Diagnostics
Classification: Pathogenic. Last evaluated: 2023-04-11. Review status: criteria provided, single submitter. Criteria: Athena Diagnostics Criteria. Collection method: clinical testing. Allele origin: unknown.
Comment: This variant is expected to result in the loss of a functional protein. A similar deletion of exon 7 has been identified in multiple individuals with Duchenne muscular dystrophy (DMD). Similar variants have not been reported in large, multi-ethnic general populations (Genome Aggregation Database (gnomAD), Cambridge, MA (URL)).

Literature cited by the submitters: PubMed 31705731; PubMed 21515508; PubMed 34629887; PubMed 26968818; PubMed 35501714; PubMed 17726484; PubMed 33644936; PubMed 19937601; PubMed 1483053; PubMed 19367636; PubMed 26110187; PubMed 28610567; PubMed 27750387; PubMed 34327855; PubMed 29973226; PubMed 36034570; PubMed 20485447.